The following is an entry in ClinVar:

NM_006206.6(PDGFRA):c.2379G>T (p.Leu793Phe)

Gene: PDGFRA (platelet derived growth factor receptor alpha; plus strand). Cytogenetic location: 4q12.
Variant type: single nucleotide variant.
Coding change: c.2379G>T on transcript NM_006206.6 (MANE Select); coding-DNA position 2379, G replaced by T.
Protein change: p.Leu793Phe; replaces leucine 793 with phenylalanine.
Molecular consequence: missense variant.
Genome position (GRCh38, 1-based): chr4:54,285,426, G>T. VCF-style: chr4-54285426-G-T. GRCh37 (hg19) VCF-style: chr4-55151593-G-T.
Other names: c.2454G>T, p.Leu818Phe (NM_001347828.2); c.2379G>T, p.Leu793Phe (NM_001347829.2); c.2418G>T, p.Leu806Phe (NM_001347830.2); short protein forms L793F, L806F, L818F.
Identifiers: ClinVar variation 948918 (VCV000948918.10), dbSNP rs1724303354, ClinGen allele CA356894696.

ClinVar aggregate classification (germline): Uncertain significance (1 of 4 stars; one submission).

Conditions:
Gastrointestinal stromal tumor. Also called: Gastrointestinal stromal tumor, somatic; Gastrointestinal stroma tumor. Identifiers: Orphanet 44890, MedGen C0238198, MeSH D046152, MONDO:0011719, OMIM 606764, HP:0100723.

Submission:

Labcorp Genetics (formerly Invitae), Labcorp
Classification: Uncertain significance for Gastrointestinal stromal tumor. Last evaluated: 2019-05-10. Review status: criteria provided, single submitter. Criteria: Invitae Variant Classification Sherloc (09022015). Collection method: clinical testing. Allele origin: germline.
Comment: In summary, the available evidence is currently insufficient to determine the role of this variant in disease. Therefore, it has been classified as a Variant of Uncertain Significance. Algorithms developed to predict the effect of missense changes on protein structure and function are either unavailable or do not agree on the potential impact of this missense change (SIFT: "Tolerated"; PolyPhen-2: "Possibly Damaging"; Align-GVGD: "Class C0"). This variant has not been reported in the literature in individuals with PDGFRA-related conditions. This variant is not present in population databases (ExAC no frequency). This sequence change replaces leucine with phenylalanine at codon 793 of the PDGFRA protein (p.Leu793Phe). The leucine residue is moderately conserved and there is a small physicochemical difference between leucine and phenylalanine.